The following is an entry in ClinVar:

ClinVar aggregate classification (germline): Uncertain significance (1 of 4 stars; one submission).

Conditions:
Holoprosencephaly 3 (HPE3). Identifiers: Orphanet 2162, MedGen C1840529, MONDO:0007733, OMIM 142945.

gnomAD v4.1: 2 of 152,224 alleles (0.0013%); highest among the groups gnomAD compares: Admixed American, 0.0065%; no homozygotes.

Submission:

Labcorp Genetics (formerly Invitae), Labcorp
Classification: Uncertain significance for Holoprosencephaly 3. Last evaluated: 2025-12-10. Review status: criteria provided, single submitter. Criteria: Invitae Variant Classification Sherloc (09022015). Collection method: clinical testing. Allele origin: germline.
Comment: This variant occurs in a non-coding region of the SHH gene. It does not change the encoded amino acid sequence of the SHH protein. This variant is not present in population databases (gnomAD no frequency). This variant has not been reported in the literature in individuals affected with SHH-related conditions. Experimental studies and prediction algorithms are not available or were not evaluated, and the functional significance of this variant is currently unknown. In summary, the available evidence is currently insufficient to determine the role of this variant in disease. Therefore, it has been classified as a Variant of Uncertain Significance.

NC_000007.14:g.156796141T>C

Genes: LMBR1 (limb development membrane protein 1; minus strand), SHH (sonic hedgehog signaling molecule; minus strand). Cytogenetic location: 7q36.3.
Variant type: single nucleotide variant.
Molecular consequence: intron variant (on NM_022458.4).
Genome position: GRCh38 VCF-style: chr7-156796141-T-C. GRCh37 (hg19) VCF-style: chr7-156588835-T-C.
Other names: c.360+248A>G (NM_001363412.2); c.144+248A>G (NM_001350954.2); c.423+248A>G (NM_001363410.2, NM_022458.4, NM_001363409.2 and 1 more transcripts); c.-112+248A>G (NM_001350958.2, NM_001350956.2, NM_001350955.2 and 1 more transcripts); c.54+248A>G (NM_001350957.2, NM_001363411.2).
Identifiers: ClinVar variation 2879429 (VCV002879429.3), dbSNP rs1173399242, ClinGen allele CA835807195.